The following is an entry in ClinVar:

ClinVar aggregate classification (germline): Uncertain significance. Review status: criteria provided, multiple submitters, no conflicts (2 of 4 stars). 2 submissions from 2 submitters: Uncertain significance (2). Last evaluated 2023-09-11.

Conditions:
Hereditary cancer-predisposing syndrome. Also called: Hereditary neoplastic syndrome; Neoplastic Syndromes, Hereditary; Hereditary Cancer Syndrome; Tumor predisposition. Identifiers: Orphanet 140162, MedGen C0027672, MeSH D009386, MONDO:0015356.
Familial cancer of breast. Also called: Hereditary breast cancer; BREAST CANCER, FAMILIAL; hereditary breast carcinoma. Identifiers: Orphanet 227535, MedGen C0346153, MONDO:0016419, OMIM 114480. Disease mechanism: loss of function.

Submissions (2):

Labcorp Genetics (formerly Invitae), Labcorp
Classification: Uncertain significance for Familial cancer of breast. Last evaluated: 2023-09-11. Review status: criteria provided, single submitter. Criteria: Invitae Variant Classification Sherloc (09022015). Collection method: clinical testing. Allele origin: germline.
Comment: An algorithm developed to predict the effect of missense changes on protein structure and function (PolyPhen-2) suggests that this variant is likely to be disruptive. In summary, the available evidence is currently insufficient to determine the role of this variant in disease. Therefore, it has been classified as a Variant of Uncertain Significance. ClinVar contains an entry for this variant (Variation ID: 1485662). This variant has not been reported in the literature in individuals affected with CHEK2-related conditions. This variant is not present in population databases (gnomAD no frequency). This sequence change replaces histidine, which is basic and polar, with asparagine, which is neutral and polar, at codon 339 of the CHEK2 protein (p.His339Asn).

Ambry Genetics
Classification: Uncertain significance for Hereditary cancer-predisposing syndrome. Last evaluated: 2022-09-23. Review status: criteria provided, single submitter. Criteria: Ambry Variant Classification Scheme 2023. Collection method: clinical testing. Allele origin: germline.
Comment: The p.H339N variant (also known as c.1015C>A), located in coding exon 9 of the CHEK2 gene, results from a C to A substitution at nucleotide position 1015. The histidine at codon 339 is replaced by asparagine, an amino acid with similar properties. This amino acid position is conserved. In addition, this alteration is predicted to be deleterious by in silico analysis. Since supporting evidence is limited at this time, the clinical significance of this alteration remains unclear.

NM_007194.4(CHEK2):c.1015C>A (p.His339Asn)

Gene: CHEK2 (checkpoint kinase 2; minus strand). Cytogenetic location: 22q12.1.
Variant type: single nucleotide variant.
Coding change: c.1015C>A on transcript NM_007194.4 (MANE Select); coding-DNA position 1015, C replaced by A.
Protein change: p.His339Asn; replaces histidine 339 with asparagine.
Molecular consequence: missense variant. On other transcripts: intron variant (3).
Genome position (GRCh38, 1-based): chr22:28,696,981, G>T on the plus strand (C>A on the coding strand, the complement: CHEK2 is on the minus strand). VCF-style: chr22-28696981-G-T. GRCh37 (hg19) VCF-style: chr22-29092969-G-T.
Other names: c.1144C>A, p.His382Asn (NM_001005735.3); c.352C>A, p.His118Asn (NM_001257387.3, NM_001437942.1); c.814C>A, p.His272Asn (NM_001349956.3); c.1108C>A, p.His370Asn (NM_001438293.1); c.1009-1108C>A (NM_145862.3); c.1102-1108C>A (NM_001438295.1); c.1138-1108C>A (NM_001438294.1); short protein forms H382N, H118N, H339N, H272N, H370N.
Identifiers: ClinVar variation 1485662 (VCV001485662.9), dbSNP rs371207635, ClinGen allele CA411097831.